The following is an entry in ClinVar:

NM_205834.4(LSR):c.*7G>A

Gene: LSR (lipolysis stimulated lipoprotein receptor; plus strand). Cytogenetic location: 19q13.12.
Variant type: single nucleotide variant.
Coding change: c.*7G>A on transcript NM_205834.4 (MANE Select); 7 bases downstream of the stop codon, G replaced by A.
Molecular consequence: 3 prime UTR variant.
Genome position (GRCh38, 1-based): chr19:35,267,866, G>A. VCF-style: chr19-35267866-G-A. GRCh37 (hg19) VCF-style: chr19-35758769-G-A.
Other names: c.*7G>A (NM_001260489.2, NM_001260490.2, NM_001385215.1 and 2 more transcripts).
Identifiers: ClinVar variation 4979123 (VCV004979123.1).
Genomic context (GRCh38, chr19:35,267,866, plus strand): 5'-TTTCTTTCTCCCTTGCAGAACTTGGCCCTGAGTCGGGAAAGTTTAGTCGTCTGATCTGAC[G>A]TTTTCTACGTAGCTTTTGTATTTTTTTTTTTAATTTGAAGGAACACTGATGAAGCCCTGC-3'

ClinVar aggregate classification (germline): Likely benign (1 of 4 stars; one submission).

Conditions:
LSR-related condition.

Submission:

PreventionGenetics, part of Exact Sciences
Classification: Likely benign for LSR-related condition. Last evaluated: 2025-12-17. Review status: criteria provided, single submitter. Criteria: ACMG Guidelines, 2015. Collection method: clinical testing. Allele origin: germline.
Comment: This variant is classified as likely benign based on ACMG/AMP sequence variant interpretation guidelines (Richards et al. 2015 PMID: 25741868, with internal and published modifications).